The following is an entry in ClinVar:

NM_001987.5(ETV6):c.521C>A (p.Pro174His)

Gene: ETV6 (ETS variant transcription factor 6; plus strand). Cytogenetic location: 12p13.2.
Variant type: single nucleotide variant.
Coding change: c.521C>A on transcript NM_001987.5 (MANE Select); coding-DNA position 521, C replaced by A.
Protein change: p.Pro174His; replaces proline 174 with histidine.
Molecular consequence: missense variant.
Genome position (GRCh38, 1-based): chr12:11,869,481, C>A. VCF-style: chr12-11869481-C-A. GRCh37 (hg19) VCF-style: chr12-12022415-C-A.
Other names: c.518C>A, p.Pro173His (NM_001413913.1); c.494C>A, p.Pro165His (NM_001413914.1); c.257C>A, p.Pro86His (NM_001413915.1); c.521C>A, p.Pro174His (NM_001413916.1, NM_001413917.1); short protein forms P165H, P86H, P173H, P174H.
Identifiers: ClinVar variation 3510619 (VCV003510619.1).
Genomic context (GRCh38, chr12:11,869,481, plus strand): 5'-CAGATAACTGTGTCCAGAGGACCCCCAGGCCATCCGTGGATAATGTGCACCATAACCCTC[C>A]CACCATTGAACTGTTGCACCGCTCCAGGTCACCTATCACGACAAATCACCGGCCTTCTCC-3'
Protein context (NP_001978.1, residues 164-184): PSVDNVHHNP[Pro174His]TIELLHRSRS

ClinVar aggregate classification (germline): Uncertain significance (1 of 4 stars; one submission).

Conditions:
Inborn genetic diseases. Identifiers: MedGen C0950123, MeSH D030342.

Submission:

Ambry Genetics
Classification: Uncertain significance for Inborn genetic diseases. Last evaluated: 2024-11-21. Review status: criteria provided, single submitter. Criteria: Ambry Variant Classification Scheme 2023. Collection method: clinical testing. Allele origin: germline.
Comment: The p.P174H variant (also known as c.521C>A), located in coding exon 5 of the ETV6 gene, results from a C to A substitution at nucleotide position 521. The proline at codon 174 is replaced by histidine, an amino acid with similar properties. This amino acid position is conserved. In addition, the in silico prediction for this alteration is inconclusive. Based on the available evidence, the clinical significance of this variant remains unclear.